The following is an entry in ClinVar:

NM_000057.4(BLM):c.3242T>G (p.Val1081Gly)

Gene: BLM (BLM RecQ like helicase; plus strand). Cytogenetic location: 15q26.1.
Variant type: single nucleotide variant.
Coding change: c.3242T>G on transcript NM_000057.4 (MANE Select); coding-DNA position 3242, T replaced by G.
Protein change: p.Val1081Gly; replaces valine 1081 with glycine.
Molecular consequence: missense variant.
Genome position (GRCh38, 1-based): chr15:90,798,221, T>G. VCF-style: chr15-90798221-T-G. GRCh37 (hg19) VCF-style: chr15-91341451-T-G.
Other names: c.3242T>G (NM_000057.2); c.3242T>G, p.Val1081Gly (NM_001287246.2, NM_001287247.2); c.2117T>G, p.Val706Gly (NM_001287248.2); short protein forms V1081G, V706G.
Identifiers: ClinVar variation 855691 (VCV000855691.13), dbSNP rs762716289, ClinGen allele CA393847166.
Genomic context (GRCh38, chr15:90,798,221, plus strand): 5'-AGCAGAAAGTATTCTCTTTTTATTCATAGGATTATAAAACAAGAGATGTGACTGACGATG[T>G]GAAAAGTATTGTAAGATTTGTTCAAGAACATAGTTCATCACAAGGAATGAGAAATATAAA-3'
Protein context (NP_000048.1, residues 1071-1091): DYKTRDVTDD[Val1081Gly]KSIVRFVQEH

ClinVar aggregate classification (germline): Conflicting classifications of pathogenicity. Review status: criteria provided, conflicting classifications (1 of 4 stars). 3 submissions from 3 submitters: Uncertain significance (1); Likely benign (1). 1 of the submissions does not count toward it. Last evaluated 2025-02-25.

Conditions:
Hereditary cancer-predisposing syndrome. Also called: Tumor predisposition; Hereditary neoplastic syndrome; Neoplastic Syndromes, Hereditary; Hereditary Cancer Syndrome. Identifiers: Orphanet 140162, MedGen C0027672, MeSH D009386, MONDO:0015356.
Bloom syndrome (BLM). Also called: Bloom-Torre-Machacek syndrome. Identifiers: Orphanet 125, MedGen C0005859, MONDO:0008876, OMIM 210900.

gnomAD v4.1: 2 of 1,609,120 alleles (0.00012%); highest among the groups gnomAD compares: African/African-American, 0.0027%; no homozygotes.

Submissions (3):

Labcorp Genetics (formerly Invitae), Labcorp
Classification: Likely benign for Bloom syndrome. Last evaluated: 2025-02-25. Review status: criteria provided, single submitter. Criteria: Invitae Variant Classification Sherloc (09022015). Collection method: clinical testing. Allele origin: germline.

Ambry Genetics
Classification: Uncertain significance for Hereditary cancer-predisposing syndrome. Last evaluated: 2023-04-23. Review status: criteria provided, single submitter. Criteria: Ambry Variant Classification Scheme 2023. Collection method: clinical testing. Allele origin: germline.
Comment: The p.V1081G variant (also known as c.3242T>G), located in coding exon 16 of the BLM gene, results from a T to G substitution at nucleotide position 3242. The valine at codon 1081 is replaced by glycine, an amino acid with dissimilar properties. This amino acid position is conserved. In addition, this alteration is predicted to be deleterious by in silico analysis. Since supporting evidence is limited at this time, the clinical significance of this alteration remains unclear.

Natera, Inc.
Classification: Uncertain significance for Bloom syndrome. Last evaluated: 2020-07-18. Review status: no assertion criteria provided. Collection method: clinical testing. Allele origin: germline. Not counted in ClinVar's aggregate classification.